The following is an entry in ClinVar:

ClinVar aggregate classification (germline): Uncertain significance. Review status: criteria provided, multiple submitters, no conflicts (2 of 4 stars). 3 submissions from 3 submitters: Uncertain significance (3). Last evaluated 2025-06-16.

Conditions:
Cardiovascular phenotype. Identifiers: MedGen CN230736.

Allele frequency attached by ClinVar (database versions not stated): TOPMed 0.00003; gnomAD 0.00004; ESP Exome Variant Server 0.00009.

Submissions (3):

Ambry Genetics
Classification: Uncertain significance for Cardiovascular phenotype. Last evaluated: 2025-06-16. Review status: criteria provided, single submitter. Criteria: Ambry Variant Classification Scheme 2023. Collection method: clinical testing. Allele origin: germline.

Labcorp Genetics (formerly Invitae), Labcorp
Classification: Uncertain significance. Last evaluated: 2025-03-05. Review status: criteria provided, single submitter. Criteria: Invitae Variant Classification Sherloc (09022015). Collection method: clinical testing. Allele origin: germline.
Comment: This sequence change replaces proline, which is neutral and non-polar, with alanine, which is neutral and non-polar, at codon 57 of the BGN protein (p.Pro57Ala). This variant is present in population databases (rs201700911, gnomAD 0.009%). This variant has not been reported in the literature in individuals affected with BGN-related conditions. ClinVar contains an entry for this variant (Variation ID: 2419206). An algorithm developed to predict the effect of missense changes on protein structure and function (PolyPhen-2) suggests that this variant is likely to be tolerated. In summary, the available evidence is currently insufficient to determine the role of this variant in disease. Therefore, it has been classified as a Variant of Uncertain Significance.

GeneDx
Classification: Uncertain significance. Last evaluated: 2023-12-29. Review status: criteria provided, single submitter. Criteria: GeneDx Variant Classification Process June 2021. Collection method: clinical testing. Allele origin: germline. Affected: yes.
Comment: Has not been previously published as pathogenic or benign to our knowledge; In silico analysis supports that this missense variant has a deleterious effect on protein structure/function

NM_001711.6(BGN):c.169C>G (p.Pro57Ala)

Gene: BGN (biglycan; plus strand). Cytogenetic location: Xq28.
Variant type: single nucleotide variant.
Coding change: c.169C>G on transcript NM_001711.6 (MANE Select); coding-DNA position 169, C replaced by G.
Protein change: p.Pro57Ala; replaces proline 57 with alanine.
Molecular consequence: missense variant.
Genome position (GRCh38, 1-based): chrX:153,504,800, C>G. VCF-style: chrX-153504800-C-G. GRCh37 (hg19) VCF-style: chrX-152770258-C-G.
Other names: c.169C>G (NM_001711.4, NM_001711.5); short protein forms P57A.
Identifiers: ClinVar variation 2419206 (VCV002419206.8), dbSNP rs201700911, ClinGen allele CA10547140.